The following is an entry in ClinVar:

NM_007294.4(BRCA1):c.981_982del (p.Thr327_Cys328insTer)

Gene: BRCA1 (BRCA1 DNA repair associated; minus strand). Cytogenetic location: 17q21.31.
Variant type: Deletion.
Coding change: c.981_982del on transcript NM_007294.4 (MANE Select); coding-DNA positions 981 to 982, 2 bases deleted (AT; older notation c.981_982delAT).
Protein change: p.Thr327_Cys328insTer.
Molecular consequence: frameshift variant. On other transcripts: intron variant (137).
Genome position (GRCh38, 1-based): chr17:43,094,549-43,094,550, AT deleted on the plus strand (AT on the coding strand, the reverse complement: BRCA1 is on the minus strand). VCF-style (leftmost placement, unchanged base first): chr17-43094548-CAT-C. GRCh37 (hg19) VCF-style: chr17-41246565-CAT-C.
Other names: 1100_1101delAT; 1100delAT; c.768_769del, p.Thr256_Cys257insTer (NM_001407571.1, NM_001407853.1, NM_001407894.1 and 9 more transcripts); c.981_982del, p.Thr327_Cys328insTer (NM_001407581.1, NM_001407582.1, NM_001407583.1 and 30 more transcripts); c.978_979del, p.Thr326_Cys327insTer (NM_001407587.1, NM_001407590.1, NM_001407591.1 and 22 more transcripts); c.972_973del, p.Thr324_Cys325insTer (NM_001407646.1, NM_001407647.1); c.858_859del, p.Thr286_Cys287insTer (NM_001407648.1, NM_001407664.1, NM_001407665.1 and 19 more transcripts); c.855_856del, p.Thr285_Cys286insTer (NM_001407649.1, NM_001407670.1, NM_001407671.1 and 11 more transcripts); and 42 more.
Identifiers: ClinVar variation 55772 (VCV000055772.77), dbSNP rs80357772, ClinGen allele CA003995.

ClinVar aggregate classification (germline): Pathogenic. Review status: reviewed by expert panel (3 of 4 stars). 21 submissions from 21 submitters: Pathogenic (1). 20 of the submissions do not count toward it. Last evaluated 2016-04-22.

Conditions:
Fanconi anemia, complementation group S (FANCS). Identifiers: MedGen C4554406, MONDO:0054748, OMIM 617883.
Breast-ovarian cancer, familial, susceptibility to, 1 (BROVCA1). Also called: OVARIAN CANCER, SUSCEPTIBILITY TO; BRCA1 Hereditary Breast and Ovarian Cancer. Identifiers: Orphanet 145, MedGen C2676676, MONDO:0011450, OMIM 604370. Disease mechanism: loss of function.
Pancreatic cancer, susceptibility to, 4. Identifiers: Orphanet 1333, MedGen C3280442, MONDO:0013685, OMIM 614320.
Hereditary cancer-predisposing syndrome. Also called: Neoplastic Syndromes, Hereditary; Tumor predisposition; Hereditary Cancer Syndrome; Hereditary neoplastic syndrome. Identifiers: Orphanet 140162, MedGen C0027672, MeSH D009386, MONDO:0015356.
Breast neoplasm. Also called: Neoplasm of breast; Breast tumor; Breast Neoplasms; Neoplasm of the breast. Identifiers: MedGen C1458155, MeSH D001943, MONDO:0021100, HP:0100013. Disease mechanism: gain of function.
Hereditary breast ovarian cancer syndrome. Also called: Hereditary breast and/or ovarian cancer syndrome; Hereditary breast and ovarian cancer syndrome; Hereditary breast and ovarian cancer; Hereditary breast and ovarian cancer syndrome (HBOC); Breast and ovarian cancer; BRCA1- and BRCA2-Associated Hereditary Breast and Ovarian Cancer. Identifiers: Orphanet 145, MedGen C0677776, MeSH D061325, MONDO:0003582. Disease mechanism: loss of function.
Familial cancer of breast. Also called: Hereditary breast cancer; BREAST CANCER, FAMILIAL; hereditary breast carcinoma. Identifiers: Orphanet 227535, MedGen C0346153, MONDO:0016419, OMIM 114480. Disease mechanism: loss of function.

Allele frequency attached by ClinVar (database versions not stated): gnomAD exomes 0.00001.

Submissions 1 to 9 of 21:

Evidence-based Network for the Interpretation of Germline Mutant Alleles (ENIGMA)
Classification: Pathogenic for Breast-ovarian cancer, familial, susceptibility to, 1. Last evaluated: 2016-04-22. Review status: reviewed by expert panel. Criteria: ENIGMA BRCA1/2 Classification Criteria (2015). Collection method: curation. Allele origin: germline.
Comment: Variant allele predicted to encode a truncated non-functional protein.

Women's Health and Genetics/Laboratory Corporation of America, LabCorp
Classification: Pathogenic for Hereditary breast ovarian cancer syndrome. Last evaluated: 2026-05-26. Review status: criteria provided, single submitter. Criteria: LabCorp Variant Classification Summary - May 2015. Collection method: clinical testing. Allele origin: germline. Not counted in ClinVar's aggregate classification.
Comment: Variant summary: BRCA1 c.981_982delAT (p.Cys328X) results in a premature termination codon, predicted to cause a truncation of the encoded protein or absence of the protein due to nonsense mediated decay, which are commonly known mechanisms for disease. The variant was absent in 251404 control chromosomes. c.981_982delAT has been observed in multiple individuals affected with Hereditary Breast And Ovarian Cancer Syndrome (Aretini_2003, Wu_2017). These data indicate that the variant is very likely to be associated with disease. A publication also reported experimental evidence that primary (non neoplastic) mammary epithelial cells (obtained from tumour-free women) carrying the variant, were defective in stalled replication fork repair (i.e. suppression of replication stress) that contributes to tumorigenesis in BRCA1-deficient mammary tissue (Pathania_2014). The following publications have been ascertained in the context of this evaluation (PMID: 14531499, 25400221, 27742776, 28692638). ClinVar contains an entry for this variant (Variation ID: 55772). Based on the evidence outlined above, the variant was classified as pathogenic.

Labcorp Genetics (formerly Invitae), Labcorp
Classification: Pathogenic for Hereditary breast ovarian cancer syndrome. Last evaluated: 2026-01-28. Review status: criteria provided, single submitter. Criteria: Invitae Variant Classification Sherloc (09022015). Collection method: clinical testing. Allele origin: germline. Not counted in ClinVar's aggregate classification.
Comment: This sequence change creates a premature translational stop signal (p.Cys328*) in the BRCA1 gene. It is expected to result in an absent or disrupted protein product. Loss-of-function variants in BRCA1 are known to be pathogenic (PMID: 20104584). This variant is not present in population databases (gnomAD no frequency). This premature translational stop signal has been observed in individual(s) with hereditary breast and ovarian cancer and breast cancer and colon cancer (PMID: 8531968, 22970155, 23479189, 24578176, 24961674, 26026974, 26187060, 26848529, 27257965). This variant is also known as 1100delAT and 981delAT. ClinVar contains an entry for this variant (Variation ID: 55772). For these reasons, this variant has been classified as Pathogenic.

Clinical Genetics Laboratory, Skane University Hospital Lund
Classification: Pathogenic for Hereditary breast ovarian cancer syndrome. Last evaluated: 2025-05-16. Review status: criteria provided, single submitter. Criteria: ACMG Guidelines, 2015. Collection method: clinical testing. Allele origin: germline. Affected: yes. Not counted in ClinVar's aggregate classification.

GeneDx
Classification: Pathogenic. Last evaluated: 2024-11-12. Review status: criteria provided, single submitter. Criteria: GeneDx Variant Classification Process June 2021. Collection method: clinical testing. Allele origin: germline. Affected: yes. Not counted in ClinVar's aggregate classification.
Comment: Nonsense variant predicted to result in protein truncation or nonsense mediated decay in a gene for which loss-of-function is a known mechanism of disease; Not observed at significant frequency in large population cohorts (gnomAD); Truncating variants in this gene are considered pathogenic by a well-established clinical consortium and/or database; Also known as 1100_1101del; This variant is associated with the following publications: (PMID: 22970155, 28724667, 34570441, 32438681, 32211327, 37937776, 35142179, 36630951, 35864222, 35918668, 38167124, 8531968, 23479189, 27257965, 17922413, 24578176, 27062684, 28692638, 26026974, 24961674, 26187060, 18627636, 26848529, 28993434, 29681614, 29086229, 29487695, 30014164, 30078507, 30702160, 30720863, 28176296, 30093976, 30972954, 30309222, 31815095, 31825140, 33476590, 30875412, 30787465, 31742824, 30130155, 34645131)

Fulgent Genetics
Classification: Pathogenic for Breast-ovarian cancer, familial, susceptibility to, 1; Pancreatic cancer, susceptibility to, 4; Fanconi anemia, complementation group S. Last evaluated: 2024-03-19. Review status: criteria provided, single submitter. Criteria: ACMG Guidelines, 2015. Collection method: clinical testing. Allele origin: germline. Not counted in ClinVar's aggregate classification.

Color Diagnostics, LLC DBA Color Health
Classification: Pathogenic for Hereditary cancer-predisposing syndrome. Last evaluated: 2024-01-23. Review status: criteria provided, single submitter. Criteria: ACMG Guidelines, 2015. Collection method: clinical testing. Allele origin: germline. Not counted in ClinVar's aggregate classification.
Comment: This variant deletes 2 nucleotides in exon 10 of the BRCA1 gene, creating a frameshift and premature translation stop signal. This variant is expected to result in an absent or non-functional protein product. This is a recurrent variant that has been reported in over 10 individuals affected with breast cancer (PMID: 8531968, 14531499, 22970155, 23479189, 24578176, 24961674, 26026974, 26187060) and at least nine individuals affected with ovarian cancer (PMID: 28176296, 30078507). This variant has not been identified in the general population by the Genome Aggregation Database (gnomAD). Loss of BRCA1 function is a known mechanism of disease. Based on the available evidence, this variant is classified as Pathogenic.

Baylor Genetics
Classification: Pathogenic for Breast-ovarian cancer, familial, susceptibility to, 1. Last evaluated: 2023-11-14. Review status: criteria provided, single submitter. Criteria: ACMG Guidelines, 2015. Collection method: clinical testing. Allele origin: unknown. Not counted in ClinVar's aggregate classification.

Department of Pathology and Laboratory Medicine, Sinai Health System
Classification: Pathogenic for Fanconi anemia, complementation group S. Last evaluated: 2023-10-08. Review status: criteria provided, single submitter. Criteria: ACMG Guidelines, 2015. Collection method: clinical testing. Allele origin: germline. Affected: no. Not counted in ClinVar's aggregate classification.